The following is an entry in ClinVar:

NM_006015.6(ARID1A):c.5659G>A (p.Gly1887Ser)

Gene: ARID1A (AT-rich interaction domain 1A; plus strand). Cytogenetic location: 1p36.11.
Variant type: single nucleotide variant.
Coding change: c.5659G>A on transcript NM_006015.6 (MANE Select); coding-DNA position 5659, G replaced by A.
Protein change: p.Gly1887Ser; replaces glycine 1887 with serine.
Molecular consequence: missense variant.
Genome position (GRCh38, 1-based): chr1:26,779,557, G>A. VCF-style: chr1-26779557-G-A. GRCh37 (hg19) VCF-style: chr1-27106048-G-A.
Other names: c.5008G>A, p.Gly1670Ser (NM_139135.4); short protein forms G1670S, G1887S.
Identifiers: ClinVar variation 2878506 (VCV002878506.3), dbSNP rs2124141501, ClinGen allele CA339186289.

ClinVar aggregate classification (germline): Uncertain significance (1 of 4 stars; one submission).

Submission:

Labcorp Genetics (formerly Invitae), Labcorp
Classification: Uncertain significance. Last evaluated: 2023-03-09. Review status: criteria provided, single submitter. Criteria: Invitae Variant Classification Sherloc (09022015). Collection method: clinical testing. Allele origin: germline.
Comment: In summary, the available evidence is currently insufficient to determine the role of this variant in disease. Therefore, it has been classified as a Variant of Uncertain Significance. Advanced modeling of protein sequence and biophysical properties (such as structural, functional, and spatial information, amino acid conservation, physicochemical variation, residue mobility, and thermodynamic stability) performed at Invitae indicates that this missense variant is not expected to disrupt ARID1A protein function. This variant has not been reported in the literature in individuals affected with ARID1A-related conditions. This variant is not present in population databases (gnomAD no frequency). This sequence change replaces glycine, which is neutral and non-polar, with serine, which is neutral and polar, at codon 1887 of the ARID1A protein (p.Gly1887Ser).